The following is an entry in ClinVar:

NM_014339.7(IL17RA):c.732T>A (p.Ser244Arg)

Gene: IL17RA (interleukin 17 receptor A; plus strand). Cytogenetic location: 22q11.1.
Variant type: single nucleotide variant.
Coding change: c.732T>A on transcript NM_014339.7 (MANE Select); coding-DNA position 732, T replaced by A.
Protein change: p.Ser244Arg; replaces serine 244 with arginine.
Molecular consequence: missense variant.
Genome position (GRCh38, 1-based): chr22:17,102,272, T>A. VCF-style: chr22-17102272-T-A. GRCh37 (hg19) VCF-style: chr22-17583162-T-A.
Other names: c.732T>A, p.Ser244Arg (NM_001289905.2); short protein forms S244R.
Identifiers: ClinVar variation 3651819 (VCV003651819.2).

ClinVar aggregate classification (germline): Uncertain significance (1 of 4 stars; one submission).

Conditions:
Immunodeficiency 51 (IMD51). Also called: CANDIDIASIS, FAMILIAL, 5. Identifiers: Orphanet 1334, MedGen C4310803, MONDO:0013500, OMIM 613953.

Submission:

Labcorp Genetics (formerly Invitae), Labcorp
Classification: Uncertain significance for Immunodeficiency 51. Last evaluated: 2024-05-10. Review status: criteria provided, single submitter. Criteria: Invitae Variant Classification Sherloc (09022015). Collection method: clinical testing. Allele origin: germline.
Comment: This sequence change replaces serine, which is neutral and polar, with arginine, which is basic and polar, at codon 244 of the IL17RA protein (p.Ser244Arg). This variant is not present in population databases (gnomAD no frequency). This variant has not been reported in the literature in individuals affected with IL17RA-related conditions. Advanced modeling of protein sequence and biophysical properties (such as structural, functional, and spatial information, amino acid conservation, physicochemical variation, residue mobility, and thermodynamic stability) performed at Invitae indicates that this missense variant is not expected to disrupt IL17RA protein function with a negative predictive value of 80%. In summary, the available evidence is currently insufficient to determine the role of this variant in disease. Therefore, it has been classified as a Variant of Uncertain Significance.